The following is an entry in ClinVar:

ClinVar aggregate classification (germline): Uncertain significance (1 of 4 stars; one submission).

Allele frequency attached by ClinVar (database versions not stated): gnomAD exomes below 0.00001.

Submission:

Labcorp Genetics (formerly Invitae), Labcorp
Classification: Uncertain significance. Last evaluated: 2022-01-14. Review status: criteria provided, single submitter. Criteria: Invitae Variant Classification Sherloc (09022015). Collection method: clinical testing. Allele origin: germline.
Comment: This variant is not present in population databases (gnomAD no frequency). This sequence change replaces valine, which is neutral and non-polar, with glutamic acid, which is acidic and polar, at codon 228 of the HACD1 protein (p.Val228Glu). This variant has not been reported in the literature in individuals affected with HACD1-related conditions. In summary, the available evidence is currently insufficient to determine the role of this variant in disease. Therefore, it has been classified as a Variant of Uncertain Significance. Algorithms developed to predict the effect of missense changes on protein structure and function are either unavailable or do not agree on the potential impact of this missense change (SIFT: "Deleterious"; PolyPhen-2: "Probably Damaging"; Align-GVGD: "Class C15").

NM_014241.4(HACD1):c.683T>A (p.Val228Glu)

Gene: HACD1 (3-hydroxyacyl-CoA dehydratase 1; minus strand). Cytogenetic location: 10p12.33.
Variant type: single nucleotide variant.
Coding change: c.683T>A on transcript NM_014241.4 (MANE Select); coding-DNA position 683, T replaced by A.
Protein change: p.Val228Glu; replaces valine 228 with glutamic acid.
Molecular consequence: missense variant.
Genome position (GRCh38, 1-based): chr10:17,594,306, A>T on the plus strand (T>A on the coding strand, the complement: HACD1 is on the minus strand). VCF-style: chr10-17594306-A-T. GRCh37 (hg19) VCF-style: chr10-17636305-A-T.
Other names: short protein forms V228E.
Identifiers: ClinVar variation 1515535 (VCV001515535.8), dbSNP rs2131503548, ClinGen allele CA376193196.